The following is an entry in ClinVar:

NM_001267550.2(TTN):c.102328C>T (p.Arg34110Trp)

Genes: TTN (titin; minus strand), TTN-AS1 (TTN antisense RNA 1; plus strand). Cytogenetic location: 2q31.2.
Variant type: single nucleotide variant.
Coding change: c.102328C>T on transcript NM_001267550.2 (MANE Select); coding-DNA position 102328, C replaced by T.
Protein change: p.Arg34110Trp; replaces arginine 34110 with tryptophan.
Molecular consequence: missense variant.
Genome position (GRCh38, 1-based): chr2:178,534,287, G>A on the plus strand (C>T on the coding strand, the complement: TTN is on the minus strand). VCF-style: chr2-178534287-G-A. GRCh37 (hg19) VCF-style: chr2-179399014-G-A.
Other names: c.97405C>T, p.Arg32469Trp (NM_001256850.1); c.75133C>T, p.Arg25045Trp (NM_003319.4); c.94624C>T, p.Arg31542Trp (NM_133378.4); c.75508C>T, p.Arg25170Trp (NM_133432.3); c.75709C>T, p.Arg25237Trp (NM_133437.4); short protein forms R31542W, R34110W, R25045W, R25170W, R25237W, R32469W.
Identifiers: ClinVar variation 1759285 (VCV001759285.6), dbSNP rs754873937, ClinGen allele CA1985766.

ClinVar aggregate classification (germline): Conflicting classifications of pathogenicity. Review status: criteria provided, conflicting classifications (1 of 4 stars). 3 submissions from 3 submitters: Uncertain significance (2); Likely benign (1). Last evaluated 2026-07-07.

Conditions:
TTN-related disorder. Also called: TTN-related disorders; TTN-related condition; TTN-related disease.
Cardiovascular phenotype. Identifiers: MedGen CN230736.

Allele frequency attached by ClinVar (database versions not stated): gnomAD exomes 0.00001; gnomAD 0.00005; ExAC 0.00006; TOPMed 0.00008.
gnomAD v4.1: 24 of 1,613,668 alleles (0.0015%); highest among the groups gnomAD compares: African/African-American, 0.013%; no homozygotes.

Submissions (3):

PreventionGenetics, part of Exact Sciences
Classification: Uncertain significance for TTN-related condition. Last evaluated: 2026-07-07. Review status: criteria provided, single submitter. Criteria: ACMG Guidelines, 2015. Collection method: clinical testing. Allele origin: germline.
Comment: The TTN c.102328C>T variant is predicted to result in the amino acid substitution p.Arg34110Trp. This variant has been reported with a second TTN variant in a family with rimmed vacuolar myopathy (Supplementary Table 1 in Wei et al. 2023. PubMed ID: 37188302). This variant has also been documented in an individual from a dilated cardiomyopathy cohort (Supplemental Table 3 in Mazzarotto et al. 2020. PubMed ID: 31983221). This variant is reported in 0.046% of alleles in individuals of East Asian descent in gnomAD. At this time, the clinical significance of this variant is uncertain due to the absence of conclusive functional and genetic evidence.

Ambry Genetics
Classification: Likely benign for Cardiovascular phenotype. Last evaluated: 2020-08-21. Review status: criteria provided, single submitter. Criteria: Ambry Variant Classification Scheme 2023. Collection method: clinical testing. Allele origin: germline.

Revvity Omics, Revvity
Classification: Uncertain significance. Last evaluated: 2019-06-03. Review status: criteria provided, single submitter. Criteria: ACMG Guidelines, 2015. Collection method: clinical testing. Allele origin: germline.